The following is an entry in ClinVar:

ClinVar aggregate classification (germline): Benign. Review status: criteria provided, multiple submitters, no conflicts (2 of 4 stars). 3 submissions from 3 submitters: Benign (2). 1 of the submissions does not count toward it. Last evaluated 2019-12-31.

Conditions:
CLMN-related disorder. Also called: CLMN-related condition.

Allele frequency attached by ClinVar (database versions not stated): gnomAD 0.01447 and 0.01554; TOPMed 0.01587; 1000 Genomes Project 0.01637; ESP Exome Variant Server 0.01645; 1000 Genomes Project 30x 0.01858.
gnomAD v4.1: 4,384 of 1,609,466 alleles (0.27%); highest among the groups gnomAD compares: African/African-American, 5.2%; 108 homozygotes.

Submissions (6):

Labcorp Genetics (formerly Invitae), Labcorp
Classification: Benign. Last evaluated: 2019-12-31. Review status: criteria provided, single submitter. Criteria: Invitae Variant Classification Sherloc (09022015). Collection method: clinical testing. Allele origin: germline.

Breakthrough Genomics
Classification: Benign. Review status: criteria provided, single submitter. Criteria: ACMG Guidelines, 2015. Collection method: not provided. Allele origin: germline. Inheritance: Unknown mechanism. Affected: yes.

PreventionGenetics, part of Exact Sciences
Classification: Benign for CLMN-related condition. Last evaluated: 2019-02-28. Review status: no assertion criteria provided. Collection method: clinical testing. Allele origin: germline. Not counted in ClinVar's aggregate classification.
Comment: This variant is classified as benign based on ACMG/AMP sequence variant interpretation guidelines (Richards et al. 2015 PMID: 25741868, with internal and published modifications).

Dr. Peter K. Rogan Lab, Western University
No classification provided (evidence only). Condition: Acute myeloid leukemia. Review status: no classification provided. Collection method: in vitro. Allele origin: not applicable. Functional consequence: skipped exon, retained intron. Not counted in ClinVar's aggregate classification.

Dr. Peter K. Rogan Lab, Western University
No classification provided (evidence only). Condition: Uterine corpus endometrial carcinoma. Review status: no classification provided. Collection method: in vitro. Allele origin: not applicable. Functional consequence: retained intron. Not counted in ClinVar's aggregate classification.

Dr. Peter K. Rogan Lab, Western University
No classification provided (evidence only). Condition: Gastric cancer. Review status: no classification provided. Collection method: in vitro. Allele origin: not applicable. Functional consequence: retained intron. Not counted in ClinVar's aggregate classification.

NM_024734.4(CLMN):c.2698A>T (p.Ile900Phe)

Gene: CLMN (calmin; minus strand). Cytogenetic location: 14q32.13.
Variant type: single nucleotide variant.
Coding change: c.2698A>T on transcript NM_024734.4 (MANE Select); coding-DNA position 2698, A replaced by T.
Protein change: p.Ile900Phe; replaces isoleucine 900 with phenylalanine.
Molecular consequence: missense variant.
Genome position (GRCh38, 1-based): chr14:95,196,508, T>A on the plus strand (A>T on the coding strand, the complement: CLMN is on the minus strand). VCF-style: chr14-95196508-T-A. GRCh37 (hg19) VCF-style: chr14-95662845-T-A.
Other names: NC_000014.8:g.95662845T>A; short protein forms I900F.
Identifiers: ClinVar variation 776857 (VCV000776857.8), dbSNP rs61750771, ClinGen allele CA7331893.